The following is an entry in ClinVar:

ClinVar aggregate classification (germline): Likely benign (0 of 4 stars; one submission).

Conditions:
REST-related disorder. Also called: REST-related condition.

Allele frequency attached by ClinVar (database versions not stated): ExAC 0.00002; gnomAD exomes 0.00002; TOPMed 0.00002.
gnomAD v4.1: 24 of 1,613,942 alleles (0.0015%); highest among the groups gnomAD compares: South Asian, 0.0044%; no homozygotes.

Submission:

PreventionGenetics, part of Exact Sciences
Classification: Likely benign for REST-related condition. Last evaluated: 2020-06-12. Review status: no assertion criteria provided. Collection method: clinical testing. Allele origin: germline.
Comment: This variant is classified as likely benign based on ACMG/AMP sequence variant interpretation guidelines (Richards et al. 2015 PMID: 25741868, with internal and published modifications).

NM_005612.5(REST):c.2088G>A (p.Thr696=)

Gene: REST (RE1 silencing transcription factor; plus strand). Cytogenetic location: 4q12.
Variant type: single nucleotide variant.
Coding change: c.2088G>A on transcript NM_005612.5 (MANE Select); coding-DNA position 2088, G replaced by A.
Protein change: p.Thr696=; no amino-acid change (threonine 696 retained).
Molecular consequence: synonymous variant.
Genome position (GRCh38, 1-based): chr4:56,930,946, G>A. VCF-style: chr4-56930946-G-A. GRCh37 (hg19) VCF-style: chr4-57797112-G-A.
Other names: c.2088G>A, p.Thr696= (NM_001193508.2, NM_001363453.3).
Identifiers: ClinVar variation 3036135 (VCV003036135.2), dbSNP rs747594456, ClinGen allele CA2932405.